The following is an entry in ClinVar:

NM_000545.8(HNF1A):c.781G>A (p.Glu261Lys)

Gene: HNF1A (HNF1 homeobox A; plus strand). Cytogenetic location: 12q24.31.
Variant type: single nucleotide variant.
Coding change: c.781G>A on transcript NM_000545.8 (MANE Select); coding-DNA position 781, G replaced by A.
Protein change: p.Glu261Lys; replaces glutamic acid 261 with lysine.
Molecular consequence: missense variant.
Genome position (GRCh38, 1-based): chr12:120,994,231, G>A. VCF-style: chr12-120994231-G-A. GRCh37 (hg19) VCF-style: chr12-121432034-G-A.
Other names: NM_001306179.2:c.781G>A; c.781G>A, p.Glu261Lys (NM_001306179.2); short protein forms E261K.
Identifiers: ClinVar variation 1327600 (VCV001327600.12), dbSNP rs2135841592, ClinGen allele CA386966092.
Genomic context (GRCh38, chr12:120,994,231, plus strand): 5'-TGCATCCAGAGAGGGGTGTCCCCATCACAGGCACAGGGGCTGGGCTCCAACCTCGTCACG[G>A]AGGTGCGTGTCTACAACTGGTTTGCCAACCGGCGCAAAGAAGAAGCCTTCCGGCACAAGC-3'
Protein context (NP_000536.6, residues 251-271): AQGLGSNLVT[Glu261Lys]VRVYNWFANR

ClinVar aggregate classification (germline): Likely pathogenic. Review status: reviewed by expert panel (3 of 4 stars). 2 submissions from 2 submitters: Likely pathogenic (1). 1 of the submissions does not count toward it. Last evaluated 2025-08-05.

Conditions:
Monogenic diabetes. Identifiers: Orphanet 183625, MedGen C3888631, MONDO:0015967.
Maturity-onset diabetes of the young type 3. Also called: MODY type 3; MODY, type III. Identifiers: Orphanet 552, MedGen C1838100, MeSH C563933, MONDO:0010894, OMIM 600496. Disease mechanism: loss of function.

Allele frequency attached by ClinVar (database versions not stated): gnomAD exomes below 0.00001.

Submissions (2):

ClinGen Monogenic Diabetes Variant Curation Expert Panel
Classification: Likely pathogenic for Monogenic diabetes. Last evaluated: 2025-08-05. Review status: reviewed by expert panel. Criteria: ClinGen Diabetes ACMG Specifications HNF1A V3.0.0. Collection method: curation. Allele origin: germline. Inheritance: Autosomal dominant inheritance.
Comment: The c.781G>A variant in the HNF1 homeobox A gene, HNF1A, causes an amino acid change of glutamic acid to lysine at codon 261 (p.(Glu261Lys)) of NM_000545.8. This variant is located within the DNA binding domain (codons 201-280) of HNF1A, which is defined as critical for the protein’s function by the ClinGen MDEP (PM1_Supporting). Additionally, this variant is predicted to be deleterious by computational evidence, with a REVEL score of 0.943, which is greater than the MDEP threshold of 0.70 (PP3). This variant has a gnomAD v4.1.0 Grpmax filtering allele frequency of 2.80e-7, which is below the ClinGen MDEP threshold of 0.000003 (PM2_Supporting). This variant was identified in an individual with a clinical history highly specific for HNF1A-MODY (MODY probability calculator result >50%, negative genetic testing for HNF4A) (PP4; PMID:16917892, internal lab contributor). This variant segregated with diabetes, with four informative meioses in this individual's family (PP1_Moderate; internal lab contributor). Taken together, this evidence supports the classification of c.781G>A as likely pathogenic for monogenic diabetes. ACMG/AMP criteria applied, as specified by the ClinGen MDEP (specification version 3.0.0, approved 6/30/2025): PP1_Moderate, PP3, PP4, PM1_Supporting, PM2_Supporting.

Geisinger Clinic, Geisinger Health System
Classification: Pathogenic for Maturity-onset diabetes of the young type 3. Last evaluated: 2022-08-02. Review status: criteria provided, single submitter. Criteria: ACMG Guidelines, 2015. Collection method: research. Allele origin: germline. Inheritance: Autosomal dominant inheritance. Affected: yes. Observed: 1 variant allele. Not counted in ClinVar's aggregate classification.
Comment: PP1_Strong, PP3, PP4, PM1_Supporting, PM2

Literature cited by the submitters: PubMed 16917892 (cited by ClinGen Monogenic Diabetes Variant Curation Expert Panel); PubMed 36257325 (cited by Geisinger Clinic, Geisinger Health System).